The following is an entry in ClinVar:

ClinVar aggregate classification (germline): Uncertain significance (1 of 4 stars; one submission).

Conditions:
Familial cancer of breast. Also called: hereditary breast carcinoma; BREAST CANCER, FAMILIAL; Hereditary breast cancer. Identifiers: Orphanet 227535, MedGen C0346153, MONDO:0016419, OMIM 114480. Disease mechanism: loss of function.

Submission:

Labcorp Genetics (formerly Invitae), Labcorp
Classification: Uncertain significance for Familial cancer of breast. Last evaluated: 2025-09-11. Review status: criteria provided, single submitter. Criteria: Invitae Variant Classification Sherloc (09022015). Collection method: clinical testing. Allele origin: germline.
Comment: This sequence change falls in intron 6 of the CHEK2 gene. It does not directly change the encoded amino acid sequence of the CHEK2 protein. It affects a nucleotide within the consensus splice site. This variant is not present in population databases (gnomAD no frequency). This variant has not been reported in the literature in individuals affected with CHEK2-related conditions. Variants that disrupt the consensus splice site are a relatively common cause of aberrant splicing (PMID: 17576681, 9536098). Algorithms developed to predict the effect of sequence changes on RNA splicing suggest that this variant may disrupt the consensus splice site. This variant disrupts the c.792+5G nucleotide in the CHEK2 gene. Other variant(s) that disrupt this nucleotide have been determined to be pathogenic (internal data). This suggests that this nucleotide is clinically significant, and that variants that disrupt this position are likely to be disease-causing. In summary, the available evidence is currently insufficient to determine the role of this variant in disease. Therefore, it has been classified as a Variant of Uncertain Significance.

Literature cited by the submitters: PubMed 17576681; PubMed 9536098.

NM_007194.4(CHEK2):c.792+5G>T

Gene: CHEK2 (checkpoint kinase 2; minus strand). Cytogenetic location: 22q12.1.
Variant type: single nucleotide variant.
Coding change: c.792+5G>T on transcript NM_007194.4 (MANE Select); 5 bases into the intron after coding-DNA position 792, G replaced by T.
Molecular consequence: intron variant.
Genome position (GRCh38, 1-based): chr22:28,711,904, C>A on the plus strand (G>T on the coding strand, the complement: CHEK2 is on the minus strand). VCF-style: chr22-28711904-C-A. GRCh37 (hg19) VCF-style: chr22-29107892-C-A.
Other names: c.129+5G>T (NM_001437942.1, NM_001257387.3); c.591+5G>T (NM_001349956.3); c.792+5G>T (NM_145862.3); c.885+5G>T (NM_001438295.1, NM_001438293.1); c.921+5G>T (NM_001438294.1, NM_001005735.3).
Identifiers: ClinVar variation 4714837 (VCV004714837.1).